The following is an entry in ClinVar:

ClinVar aggregate classification (germline): Likely benign. Review status: criteria provided, multiple submitters, no conflicts (2 of 4 stars). 3 submissions from 3 submitters: Likely benign (3). Last evaluated 2025-12-13.

Conditions:
Cardiovascular phenotype. Identifiers: MedGen CN230736.
Alstrom syndrome (ALMS). Identifiers: Orphanet 64, MedGen C0268425, MONDO:0008763, OMIM 203800.

Allele frequency attached by ClinVar (database versions not stated): gnomAD exomes below 0.00001; TOPMed 0.00001; gnomAD 0.00003; 1000 Genomes Project 30x 0.00016; 1000 Genomes Project 0.00020.
gnomAD v4.1: 19 of 1,613,614 alleles (0.0012%); highest among the groups gnomAD compares: African/African-American, 0.013%; no homozygotes.

Submissions (3):

Labcorp Genetics (formerly Invitae), Labcorp
Classification: Likely benign for Alstrom syndrome. Last evaluated: 2025-12-13. Review status: criteria provided, single submitter. Criteria: Invitae Variant Classification Sherloc (09022015). Collection method: clinical testing. Allele origin: germline.

CeGaT Center for Human Genetics Tuebingen
Classification: Likely benign. Last evaluated: 2024-05-01. Review status: criteria provided, single submitter. Criteria: CeGaT Center For Human Genetics Tuebingen Variant Classification Criteria Version 2. Collection method: clinical testing. Allele origin: germline. Affected: yes. Observed: 1 variant allele.
Comment: ALMS1: BP4, BP7

Ambry Genetics
Classification: Likely benign for Cardiovascular phenotype. Last evaluated: 2024-02-03. Review status: criteria provided, single submitter. Criteria: Ambry Variant Classification Scheme 2023. Collection method: clinical testing. Allele origin: germline.

NM_001378454.1(ALMS1):c.5332C>T (p.Leu1778=)

Gene: ALMS1 (ALMS1 centrosome and basal body associated protein; plus strand). Cytogenetic location: 2p13.1.
Variant type: single nucleotide variant.
Coding change: c.5332C>T on transcript NM_001378454.1 (MANE Select); coding-DNA position 5332, C replaced by T.
Protein change: p.Leu1778=; no amino-acid change (leucine 1778 retained).
Molecular consequence: synonymous variant.
Genome position (GRCh38, 1-based): chr2:73,451,859, C>T. VCF-style: chr2-73451859-C-T. GRCh37 (hg19) VCF-style: chr2-73678986-C-T.
Other names: c.5335C>T, p.Leu1779= (NM_015120.4).
Identifiers: ClinVar variation 1095993 (VCV001095993.29), dbSNP rs559383661, ClinGen allele CA1713869.